The following is an entry in ClinVar:

NM_005424.5(TIE1):c.2569A>G (p.Met857Val)

Gene: TIE1 (tyrosine kinase with immunoglobulin like and EGF like domains 1; plus strand). Cytogenetic location: 1p34.2.
Variant type: single nucleotide variant.
Coding change: c.2569A>G on transcript NM_005424.5 (MANE Select); coding-DNA position 2569, A replaced by G.
Protein change: p.Met857Val; replaces methionine 857 with valine.
Molecular consequence: missense variant.
Genome position (GRCh38, 1-based): chr1:43,317,358, A>G. VCF-style: chr1-43317358-A-G. GRCh37 (hg19) VCF-style: chr1-43783029-A-G.
Other names: c.2434A>G, p.Met812Val (NM_001253357.2); c.2569A>G (NM_005424.2); short protein forms M812V, M857V.
Identifiers: ClinVar variation 3345478 (VCV003345478.2).
Genomic context (GRCh38, chr1:43,317,358, plus strand): 5'-GAGGACATCACCTTTGAGGACCTCATCGGGGAGGGGAACTTCGGCCAGGTCATCCGGGCC[A>G]TGATCAAGAAGGACGGGCTGAAGATGAACGCAGCCATCAAAATGCTGAAAGGTCCACTGG-3'
Protein context (NP_005415.1, residues 847-867): EGNFGQVIRA[Met857Val]IKKDGLKMNA

ClinVar aggregate classification (germline): Uncertain significance. Review status: criteria provided, single submitter (1 of 4 stars). 2 submissions from 2 submitters: Uncertain significance (1). 1 of the submissions does not count toward it. Last evaluated 2025-08-11.

Conditions:
TIE1-related disorder. Also called: TIE1-related condition.

Submissions (2):

Ambry Genetics
Classification: Uncertain significance. Last evaluated: 2025-08-11. Review status: criteria provided, single submitter. Criteria: Ambry Variant Classification Scheme 2023. Collection method: clinical testing. Allele origin: germline.

PreventionGenetics, part of Exact Sciences
Classification: Uncertain significance for TIE1-related condition. Last evaluated: 2024-05-30. Review status: no assertion criteria provided. Collection method: clinical testing. Allele origin: germline. Not counted in ClinVar's aggregate classification.
Comment: The TIE1 c.2569A>G variant is predicted to result in the amino acid substitution p.Met857Val. To our knowledge, this variant has not been reported in the literature or in a large population database, indicating this variant is rare. At this time, the clinical significance of this variant is uncertain due to the absence of conclusive functional and genetic evidence.